The following is an entry in ClinVar:

NM_181882.3(PRX):c.-114T>G

Genes: PRX (periaxin; minus strand), LOC130064456 (ATAC-STARR-seq lymphoblastoid active region 14651; plus strand). Cytogenetic location: 19q13.2.
Variant type: single nucleotide variant.
Coding change: c.-114T>G on transcript NM_181882.3 (MANE Select); 114 bases upstream of the start codon, T replaced by G.
Molecular consequence: 5 prime UTR variant.
Genome position (GRCh38, 1-based): chr19:40,408,172, A>C on the plus strand (T>G on the coding strand, the complement: PRX is on the minus strand). VCF-style: chr19-40408172-A-C. GRCh37 (hg19) VCF-style: chr19-40914079-A-C.
Other names: c.-114T>G (NM_020956.2).
Identifiers: ClinVar variation 329292 (VCV000329292.30), dbSNP rs367716653, ClinGen allele CA10648730.

ClinVar aggregate classification (germline): Conflicting classifications of pathogenicity. Review status: criteria provided, conflicting classifications (1 of 4 stars). 3 submissions from 3 submitters: Uncertain significance (1); Benign (1); Likely benign (1). Last evaluated 2026-09-01.

Conditions:
Charcot-Marie-Tooth disease type 4F. Also called: Charcot-Marie-Tooth disease, demyelinating, type 4F. Identifiers: Orphanet 99952, MedGen C3540453, MONDO:0013959, OMIM 614895.

Allele frequency attached by ClinVar (database versions not stated): 1000 Genomes Project 0.00100; 1000 Genomes Project 30x 0.00109; gnomAD 0.00145 and 0.00149; TOPMed 0.00152; gnomAD exomes 0.00252.
gnomAD v4.1: 1,376 of 603,498 alleles (0.23%); highest among the groups gnomAD compares: Middle Eastern, 1.5%; 4 homozygotes.

Submissions (3):

CeGaT Center for Human Genetics Tuebingen
Classification: Likely benign. Last evaluated: 2026-09-01. Review status: criteria provided, single submitter. Criteria: CeGaT Center For Human Genetics Tuebingen Variant Classification Criteria Version 2. Collection method: clinical testing. Allele origin: germline. Affected: yes. Observed: 6 variant alleles.
Comment: PRX: BP4, BS1

Illumina Laboratory Services, Illumina
Classification: Uncertain significance for Charcot-Marie-Tooth disease type 4F. Last evaluated: 2018-01-13. Review status: criteria provided, single submitter. Criteria: ICSL Variant Classification Criteria 13 December 2019. Collection method: clinical testing. Allele origin: germline.

GeneDx
Classification: Benign. Last evaluated: 2015-03-03. Review status: criteria provided, single submitter. Criteria: GeneDx Variant Classification Process June 2021. Collection method: clinical testing. Allele origin: germline. Affected: yes.